The following is an entry in ClinVar:

NM_001270508.2(TNFAIP3):c.867C>A (p.His289Gln)

Gene: TNFAIP3 (TNF alpha induced protein 3; plus strand). Cytogenetic location: 6q23.3.
Variant type: single nucleotide variant.
Coding change: c.867C>A on transcript NM_001270508.2 (MANE Select); coding-DNA position 867, C replaced by A.
Protein change: p.His289Gln; replaces histidine 289 with glutamine.
Molecular consequence: missense variant.
Genome position (GRCh38, 1-based): chr6:137,877,137, C>A. VCF-style: chr6-137877137-C-A. GRCh37 (hg19) VCF-style: chr6-138198274-C-A.
Other names: c.867C>A, p.His289Gln (NM_001270507.2, NM_006290.4); short protein forms H289Q.
Identifiers: ClinVar variation 2844740 (VCV002844740.3), dbSNP rs1333487581, ClinGen allele CA365787169.

ClinVar aggregate classification (germline): Uncertain significance (1 of 4 stars; one submission).

Submission:

Labcorp Genetics (formerly Invitae), Labcorp
Classification: Uncertain significance. Last evaluated: 2023-03-10. Review status: criteria provided, single submitter. Criteria: Invitae Variant Classification Sherloc (09022015). Collection method: clinical testing. Allele origin: germline.
Comment: In summary, the available evidence is currently insufficient to determine the role of this variant in disease. Therefore, it has been classified as a Variant of Uncertain Significance. Advanced modeling of protein sequence and biophysical properties (such as structural, functional, and spatial information, amino acid conservation, physicochemical variation, residue mobility, and thermodynamic stability) performed at Invitae indicates that this missense variant is not expected to disrupt TNFAIP3 protein function. This variant has not been reported in the literature in individuals affected with TNFAIP3-related conditions. This variant is not present in population databases (gnomAD no frequency). This sequence change replaces histidine, which is basic and polar, with glutamine, which is neutral and polar, at codon 289 of the TNFAIP3 protein (p.His289Gln).